The following is an entry in ClinVar:

NM_000726.5(CACNB4):c.521+9C>T

Gene: CACNB4 (calcium voltage-gated channel auxiliary subunit beta 4; minus strand). Cytogenetic location: 2q23.3.
Variant type: single nucleotide variant.
Coding change: c.521+9C>T on transcript NM_000726.5 (MANE Select); 9 bases into the intron after coding-DNA position 521, C replaced by T.
Molecular consequence: intron variant.
Genome position (GRCh38, 1-based): chr2:151,876,417, G>A on the plus strand (C>T on the coding strand, the complement: CACNB4 is on the minus strand). VCF-style: chr2-151876417-G-A. GRCh37 (hg19) VCF-style: chr2-152732931-G-A.
Other names: c.380+9C>T (NM_001320722.3, NM_001330118.1, NM_001330116.2); c.-38+9C>T (NM_001330117.2); c.521+9C>T (NM_001145798.2); c.467+9C>T (NM_001330113.2, NM_001005746.4); c.419+9C>T (NM_001330115.2, NM_001005747.4); c.-114+9C>T (NM_001330114.2).
Identifiers: ClinVar variation 331632 (VCV000331632.6), dbSNP rs747291810, ClinGen allele CA1912609.

ClinVar aggregate classification (germline): Benign (1 of 4 stars; one submission).

Conditions:
Episodic ataxia type 5. Identifiers: Orphanet 211067, MedGen C1866039, MONDO:0013464, OMIM 613855.

Allele frequency attached by ClinVar (database versions not stated): TOPMed 0.00001; ExAC 0.00013; gnomAD 0.00001 and 0.00002.
gnomAD v4.1: 75 of 1,594,872 alleles (0.0047%); highest among the groups gnomAD compares: South Asian, 0.078%; 1 homozygote.

Submission:

Illumina Laboratory Services, Illumina
Classification: Benign for Episodic ataxia type 5. Last evaluated: 2018-01-12. Review status: criteria provided, single submitter. Criteria: ICSL Variant Classification Criteria 13 December 2019. Collection method: clinical testing. Allele origin: germline.
Comment: This variant was observed in the ICSL laboratory as part of a predisposition screen in an ostensibly healthy population. It had not been previously curated by ICSL or reported in the Human Gene Mutation Database (HGMD: prior to June 1st, 2018), and was therefore a candidate for classification through an automated scoring system. Utilizing variant allele frequency, disease prevalence and penetrance estimates, and inheritance mode, an automated score was calculated to assess if this variant is too frequent to cause the disease. Based on the score and internal cut-off values, a variant classified as benign is not then subjected to further curation. The score for this variant resulted in a classification of benign for this disease.